The following is an entry in ClinVar:

ClinVar aggregate classification (germline): Uncertain significance (1 of 4 stars; one submission).

gnomAD v4.1: 1 of 1,613,568 alleles (0.000062%); no homozygotes.

Submission:

Labcorp Genetics (formerly Invitae), Labcorp
Classification: Uncertain significance. Last evaluated: 2024-12-04. Review status: criteria provided, single submitter. Criteria: Invitae Variant Classification Sherloc (09022015). Collection method: clinical testing. Allele origin: germline.
Comment: This sequence change affects codon 131 of the DLL4 mRNA. It is a 'silent' change, meaning that it does not change the encoded amino acid sequence of the DLL4 protein. It affects a nucleotide within the consensus splice site. This variant is not present in population databases (gnomAD no frequency). This variant has not been reported in the literature in individuals affected with DLL4-related conditions. Algorithms developed to predict the effect of sequence changes on RNA splicing suggest that this variant is not likely to affect RNA splicing. In summary, the available evidence is currently insufficient to determine the role of this variant in disease. Therefore, it has been classified as a Variant of Uncertain Significance.

NM_019074.4(DLL4):c.393A>G (p.Pro131=)

Gene: DLL4 (delta like canonical Notch ligand 4; plus strand). Cytogenetic location: 15q15.1.
Variant type: single nucleotide variant.
Coding change: c.393A>G on transcript NM_019074.4 (MANE Select); coding-DNA position 393, A replaced by G.
Protein change: p.Pro131=; no amino-acid change (proline 131 retained).
Molecular consequence: synonymous variant.
Genome position (GRCh38, 1-based): chr15:40,930,681, A>G. VCF-style: chr15-40930681-A-G. GRCh37 (hg19) VCF-style: chr15-41222879-A-G.
Identifiers: ClinVar variation 3607362 (VCV003607362.2).